The following is an entry in ClinVar:

NM_005263.5(GFI1):c.924+6C>T

Gene: GFI1 (growth factor independent 1 transcriptional repressor; minus strand). Cytogenetic location: 1p22.1.
Variant type: single nucleotide variant.
Coding change: c.924+6C>T on transcript NM_005263.5 (MANE Select); 6 bases into the intron after coding-DNA position 924, C replaced by T.
Molecular consequence: intron variant.
Genome position (GRCh38, 1-based): chr1:92,480,342, G>A on the plus strand (C>T on the coding strand, the complement: GFI1 is on the minus strand). VCF-style: chr1-92480342-G-A. GRCh37 (hg19) VCF-style: chr1-92945899-G-A.
Other names: c.924+6C>T (NM_001127216.3, NM_001127215.3).
Identifiers: ClinVar variation 1987056 (VCV001987056.4), dbSNP rs1353929678, ClinGen allele CA524596441.

ClinVar aggregate classification (germline): Uncertain significance (1 of 4 stars; one submission).

Conditions:
Neutropenia, severe congenital, 2, autosomal dominant. Identifiers: Orphanet 486, MedGen C2751288, MONDO:0013139, OMIM 613107.

gnomAD v4.1: 4 of 1,548,136 alleles (0.00026%); highest among the groups gnomAD compares: African/African-American, 0.0027%; no homozygotes.

Submission:

Labcorp Genetics (formerly Invitae), Labcorp
Classification: Uncertain significance for Neutropenia, severe congenital, 2, autosomal dominant. Last evaluated: 2024-11-18. Review status: criteria provided, single submitter. Criteria: Invitae Variant Classification Sherloc (09022015). Collection method: clinical testing. Allele origin: germline.
Comment: This sequence change falls in intron 5 of the GFI1 gene. It does not directly change the encoded amino acid sequence of the GFI1 protein. It affects a nucleotide within the consensus splice site. This variant is not present in population databases (gnomAD no frequency). This variant has not been reported in the literature in individuals affected with GFI1-related conditions. ClinVar contains an entry for this variant (Variation ID: 1987056). Variants that disrupt the consensus splice site are a relatively common cause of aberrant splicing (PMID: 17576681, 9536098). Algorithms developed to predict the effect of sequence changes on RNA splicing suggest that this variant is not likely to affect RNA splicing. In summary, the available evidence is currently insufficient to determine the role of this variant in disease. Therefore, it has been classified as a Variant of Uncertain Significance.

Literature cited by the submitters: PubMed 17576681; PubMed 9536098.